The following is an entry in ClinVar:

NM_004006.3(DMD):c.5648A>G (p.Lys1883Arg)

Gene: DMD (dystrophin; minus strand). Cytogenetic location: Xp21.1.
Variant type: single nucleotide variant.
Coding change: c.5648A>G on transcript NM_004006.3 (MANE Select); coding-DNA position 5648, A replaced by G.
Protein change: p.Lys1883Arg; replaces lysine 1883 with arginine.
Molecular consequence: missense variant.
Genome position (GRCh38, 1-based): chrX:32,343,225, T>C on the plus strand (A>G on the coding strand, the complement: DMD is on the minus strand). VCF-style: chrX-32343225-T-C. GRCh37 (hg19) VCF-style: chrX-32361342-T-C.
Other names: c.5624A>G, p.Lys1875Arg (NM_000109.4); c.5636A>G, p.Lys1879Arg (NM_004009.3); c.5279A>G, p.Lys1760Arg (NM_004010.3); c.1625A>G, p.Lys542Arg (NM_004011.4); c.1616A>G, p.Lys539Arg (NM_004012.4); short protein forms K1760R, K1875R, K539R, K542R, K1879R, K1883R.
Identifiers: ClinVar variation 2719928 (VCV002719928.3), dbSNP rs2521865525, ClinGen allele CA412666065.
Genomic context (GRCh38, chrX:32,343,225, plus strand): 5'-AGGCTGGCTAATTTTTTTTCAATGTCATCCAAGCATTTCAGGAGATCATCAGCCTGCCTC[T>C]TGTACTGATACCACTGATGAGAAATTTCTAGAGCCTTTTTTCTTCTTTGAGACCTCAAAT-3'
Protein context (NP_003997.2, residues 1873-1893): LEISHQWYQY[Lys1883Arg]RQADDLLKCL

ClinVar aggregate classification (germline): Uncertain significance (1 of 4 stars; one submission).

Conditions:
Duchenne muscular dystrophy (DMD). Also called: MUSCULAR DYSTROPHY, PSEUDOHYPERTROPHIC PROGRESSIVE, DUCHENNE TYPE; Duchenne Muscular Dystrophy (DMD). Identifiers: Orphanet 98896, MedGen C0013264, MONDO:0010679, OMIM 310200.

Submission:

Labcorp Genetics (formerly Invitae), Labcorp
Classification: Uncertain significance for Duchenne muscular dystrophy. Last evaluated: 2024-03-08. Review status: criteria provided, single submitter. Criteria: Invitae Variant Classification Sherloc (09022015). Collection method: clinical testing. Allele origin: germline.
Comment: This sequence change replaces lysine, which is basic and polar, with arginine, which is basic and polar, at codon 1883 of the DMD protein (p.Lys1883Arg). This variant is not present in population databases (gnomAD no frequency). This variant has not been reported in the literature in individuals affected with DMD-related conditions. Advanced modeling of protein sequence and biophysical properties (such as structural, functional, and spatial information, amino acid conservation, physicochemical variation, residue mobility, and thermodynamic stability) performed at Invitae indicates that this missense variant is not expected to disrupt DMD protein function with a negative predictive value of 95%. In summary, the available evidence is currently insufficient to determine the role of this variant in disease. Therefore, it has been classified as a Variant of Uncertain Significance.